The following is an entry in ClinVar:

ClinVar aggregate classification (germline): Likely benign (0 of 4 stars; one submission).

Conditions:
PKD1L1-related disorder. Also called: PKD1L1-related condition.

gnomAD v4.1: 3 of 1,613,988 alleles (0.00019%); highest among the groups gnomAD compares: Admixed American, 0.005%; no homozygotes.

Submission:

PreventionGenetics, part of Exact Sciences
Classification: Likely benign for PKD1L1-related condition. Last evaluated: 2024-06-21. Review status: no assertion criteria provided. Collection method: clinical testing. Allele origin: germline.
Comment: This variant is classified as likely benign based on ACMG/AMP sequence variant interpretation guidelines (Richards et al. 2015 PMID: 25741868, with internal and published modifications).

NM_138295.5(PKD1L1):c.981G>A (p.Gly327=)

Gene: PKD1L1 (polycystin 1 like 1, transient receptor potential channel interacting; minus strand). Cytogenetic location: 7p12.3.
Variant type: single nucleotide variant.
Coding change: c.981G>A on transcript NM_138295.5 (MANE Select); coding-DNA position 981, G replaced by A.
Protein change: p.Gly327=; no amino-acid change (glycine 327 retained).
Molecular consequence: synonymous variant.
Genome position (GRCh38, 1-based): chr7:47,929,283, C>T on the plus strand (G>A on the coding strand, the complement: PKD1L1 is on the minus strand). VCF-style: chr7-47929283-C-T. GRCh37 (hg19) VCF-style: chr7-47968880-C-T.
Identifiers: ClinVar variation 3355892 (VCV003355892.1).